The following is an entry in ClinVar:

NM_004999.4(MYO6):c.2111dup (p.Tyr705fs)

Gene: MYO6 (myosin VI; plus strand). Cytogenetic location: 6q14.1.
Variant type: Duplication.
Coding change: c.2111dup on transcript NM_004999.4 (MANE Select); coding-DNA position 2111, one base duplicated (G; older notation c.2111dupG).
Protein change: p.Tyr705fs; shifts the reading frame from tyrosine 705.
Genome position (GRCh38, 1-based): chr6:75,879,853, G duplicated; the last of 2 consecutive G bases (chr6:75,879,852-75,879,853); duplicating either gives the same sequence. VCF-style (leftmost placement, unchanged base first): chr6-75879851-T-TG. GRCh37 (hg19) VCF-style: chr6-76589568-T-TG.
Other names: c.2111dup, p.Tyr705fs (NM_001300899.2, NM_001368136.1, NM_001368137.1 and 2 more transcripts); c.2096dup, p.Tyr700fs (NM_001368138.1); short protein forms Y700fs, Y705fs.
Identifiers: ClinVar variation 45141 (VCV000045141.5), dbSNP rs397517045, ClinGen allele CA261711.

ClinVar aggregate classification (germline): Likely pathogenic (1 of 4 stars; one submission).

Conditions:
Rare genetic deafness. Identifiers: Orphanet 96210, MedGen C5680250.

Submission:

Laboratory for Molecular Medicine, Mass General Brigham Personalized Medicine
Classification: Likely pathogenic for Rare genetic deafness. Last evaluated: 2018-07-18. Review status: criteria provided, single submitter. Criteria: LMM Criteria. Collection method: clinical testing. Allele origin: germline. Inheritance: Autosomal dominant inheritance. Observed: 3 variant alleles.
Comment: It was absent from large population studies. This frameshift variant is expected to alter the protein?s amino acid sequence beginning at position 705 and lead t o a premature termination codon 9 amino acids downstream. This alteration is the n predicted to lead to a truncated or absent protein. Loss-of-function variants in the MYO6 gene have been strongly associated to autosomal dominant hearing los s (Sanggaard 2008, Cheng 2014, Miyagawa 2015, Yang 2013, Volk 2013), and there i s also evidence that biallelic occurrence may result in a more severe hearing lo ss (Ahmed 2003, Yan 2016, Yang 2013 ). In summary, this variant is likely pathog enic for autosomal dominant hearing loss, though additional studies are required to fully establish its clinical significance. ACMG/AMP Criteria applied: PVS1, PM2

Literature cited by the submitters: PubMed 18348273; PubMed 12687499; PubMed 25227905; PubMed 25999546; PubMed 27344577; PubMed 23767834; PubMed 23635807.